The following is an entry in ClinVar:

ClinVar aggregate classification (germline): Uncertain significance (1 of 4 stars; one submission).

Conditions:
Inborn genetic diseases. Identifiers: MedGen C0950123, MeSH D030342.

gnomAD v4.1: 1 of 1,612,314 alleles (0.000062%); highest among the groups gnomAD compares: African/African-American, 0.0013%; no homozygotes.

Submission:

Ambry Genetics
Classification: Uncertain significance for Inborn genetic diseases. Last evaluated: 2025-10-25. Review status: criteria provided, single submitter. Criteria: Ambry Variant Classification Scheme 2023. Collection method: clinical testing. Allele origin: germline.
Comment: The p.L75F variant (also known as c.223C>T), located in coding exon 2 of the G6PC3 gene, results from a C to T substitution at nucleotide position 223. The leucine at codon 75 is replaced by phenylalanine, an amino acid with highly similar properties. This amino acid position is conserved. In addition, the in silico prediction for this alteration is inconclusive. Based on the available evidence, the clinical significance of this variant remains unclear.

NM_138387.4(G6PC3):c.223C>T (p.Leu75Phe)

Gene: G6PC3 (glucose-6-phosphatase catalytic subunit 3; plus strand). Cytogenetic location: 17q21.31.
Variant type: single nucleotide variant.
Coding change: c.223C>T on transcript NM_138387.4 (MANE Select); coding-DNA position 223, C replaced by T.
Protein change: p.Leu75Phe; replaces leucine 75 with phenylalanine.
Molecular consequence: missense variant. On other transcripts: 5 prime UTR variant (4).
Genome position (GRCh38, 1-based): chr17:44,074,164, C>T. VCF-style: chr17-44074164-C-T. GRCh37 (hg19) VCF-style: chr17-42151532-C-T.
Other names: c.223C>T, p.Leu75Phe (NM_001319945.2); c.-123C>T (NM_001384165.1, NM_001384166.1, NM_001384167.1 and 1 more transcripts); short protein forms L75F.
Identifiers: ClinVar variation 4620505 (VCV004620505.1).